The following is an entry in ClinVar:

NM_001369.3(DNAH5):c.6014A>G (p.Asn2005Ser)

Gene: DNAH5 (dynein axonemal heavy chain 5; minus strand). Cytogenetic location: 5p15.2.
Variant type: single nucleotide variant.
Coding change: c.6014A>G on transcript NM_001369.3 (MANE Select); coding-DNA position 6014, A replaced by G.
Protein change: p.Asn2005Ser; replaces asparagine 2005 with serine.
Molecular consequence: missense variant.
Genome position (GRCh38, 1-based): chr5:13,830,644, T>C on the plus strand (A>G on the coding strand, the complement: DNAH5 is on the minus strand). VCF-style: chr5-13830644-T-C. GRCh37 (hg19) VCF-style: chr5-13830753-T-C.
Other names: short protein forms N2005S.
Identifiers: ClinVar variation 525405 (VCV000525405.13), dbSNP rs1375968864, ClinGen allele CA359202435.

ClinVar aggregate classification (germline): Uncertain significance. Review status: criteria provided, single submitter (1 of 4 stars). 2 submissions from 2 submitters: Uncertain significance (1). 1 of the submissions does not count toward it. Last evaluated 2017-08-08.

Conditions:
Primary ciliary dyskinesia. Also called: Ciliary dyskinesia. Identifiers: Orphanet 244, MedGen C0008780, MONDO:0016575, HP:0012265.

Allele frequency attached by ClinVar (database versions not stated): gnomAD exomes below 0.00001.
gnomAD v4.1: 2 of 1,614,200 alleles (0.00012%); highest among the groups gnomAD compares: Non-Finnish European, 0.00017%; no homozygotes.

Submissions (2):

Labcorp Genetics (formerly Invitae), Labcorp
Classification: Uncertain significance for Primary ciliary dyskinesia. Last evaluated: 2017-08-08. Review status: criteria provided, single submitter. Criteria: Invitae Variant Classification Sherloc (09022015). Collection method: clinical testing. Allele origin: germline.
Comment: In summary, the available evidence is currently insufficient to determine the role of this variant in disease. Therefore, it has been classified as a Variant of Uncertain Significance. Algorithms developed to predict the effect of sequence changes on RNA splicing suggest that this variant may create or strengthen a splice site, but this prediction has not been confirmed by published transcriptional studies. Algorithms developed to predict the effect of missense changes on protein structure and function do not agree on the potential impact of this missense change (SIFT: "Deleterious"; PolyPhen-2: "Possibly Damaging"; Align-GVGD: "Class C0"). This variant has not been reported in the literature in individuals with DNAH5-related disease. This variant is not present in population databases (ExAC no frequency). This sequence change replaces asparagine with serine at codon 2005 of the DNAH5 protein (p.Asn2005Ser). The asparagine residue is highly conserved and there is a small physicochemical difference between asparagine and serine.

Natera, Inc.
Classification: Uncertain significance for Primary ciliary dyskinesia. Last evaluated: 2021-10-04. Review status: no assertion criteria provided. Collection method: clinical testing. Allele origin: germline. Not counted in ClinVar's aggregate classification.